The following is an entry in ClinVar:

NM_001365951.3(KIF1B):c.1426C>T (p.Arg476Cys)

Gene: KIF1B (kinesin family member 1B; plus strand). Cytogenetic location: 1p36.22.
Variant type: single nucleotide variant.
Coding change: c.1426C>T on transcript NM_001365951.3 (MANE Select); coding-DNA position 1426, C replaced by T.
Protein change: p.Arg476Cys; replaces arginine 476 with cysteine.
Molecular consequence: missense variant.
Genome position (GRCh38, 1-based): chr1:10,282,525, C>T. VCF-style: chr1-10282525-C-T. GRCh37 (hg19) VCF-style: chr1-10342583-C-T.
Other names: c.1426C>T, p.Arg476Cys (NM_001365952.1); c.1288C>T, p.Arg430Cys (NM_001365953.1, NM_015074.3, NM_183416.4); short protein forms R476C, R430C.
Identifiers: ClinVar variation 1769018 (VCV001769018.3), dbSNP rs760014398, ClinGen allele CA580953.

ClinVar aggregate classification (germline): Uncertain significance (1 of 4 stars; one submission).

Allele frequency attached by ClinVar (database versions not stated): ExAC 0.00001.
gnomAD v4.1: 11 of 1,613,154 alleles (0.00068%); highest among the groups gnomAD compares: Non-Finnish European, 0.00093%; no homozygotes.

Submission:

Ambry Genetics
Classification: Uncertain significance. Last evaluated: 2024-11-11. Review status: criteria provided, single submitter. Criteria: Ambry Variant Classification Scheme 2023. Collection method: clinical testing. Allele origin: germline.
Comment: The p.R430C variant (also known as c.1288C>T), located in coding exon 12 of the KIF1B gene, results from a C to T substitution at nucleotide position 1288. The arginine at codon 430 is replaced by cysteine, an amino acid with highly dissimilar properties. This amino acid position is conserved. In addition, this alteration is predicted to be deleterious by in silico analysis. The evidence for this gene-disease relationship is limited; therefore, the clinical significance of this alteration is unclear.